The following is an entry in ClinVar:

NM_001009944.3(PKD1):c.1311G>A (p.Gln437=)

Gene: PKD1 (polycystin 1, transient receptor potential channel interacting; minus strand). Cytogenetic location: 16p13.3.
Variant type: single nucleotide variant.
Coding change: c.1311G>A on transcript NM_001009944.3 (MANE Select); coding-DNA position 1311, G replaced by A.
Protein change: p.Gln437=; no amino-acid change (glutamine 437 retained).
Molecular consequence: synonymous variant.
Genome position (GRCh38, 1-based): chr16:2,117,563, C>T on the plus strand (G>A on the coding strand, the complement: PKD1 is on the minus strand). VCF-style: chr16-2117563-C-T. GRCh37 (hg19) VCF-style: chr16-2167564-C-T.
Other names: c.1311G>A, p.Gln437= (NM_000296.4).
Identifiers: ClinVar variation 2646031 (VCV002646031.25), dbSNP rs759822811, ClinGen allele CA7833548.

ClinVar aggregate classification (germline): Likely benign. Review status: criteria provided, multiple submitters, no conflicts (2 of 4 stars). 2 submissions from 2 submitters: Likely benign (2). Last evaluated 2023-10-01.

Allele frequency attached by ClinVar (database versions not stated): TOPMed 0.00004; gnomAD 0.00005; gnomAD exomes 0.00005; ExAC 0.00018.
gnomAD v4.1: 74 of 1,605,622 alleles (0.0046%); highest among the groups gnomAD compares: Non-Finnish European, 0.0061%; no homozygotes.

Submissions (2):

CeGaT Center for Human Genetics Tuebingen
Classification: Likely benign. Last evaluated: 2023-10-01. Review status: criteria provided, single submitter. Criteria: CeGaT Center For Human Genetics Tuebingen Variant Classification Criteria Version 2. Collection method: clinical testing. Allele origin: germline. Affected: yes. Observed: 1 variant allele.
Comment: PKD1: BP4, BP7

Blueprint Genetics
Classification: Likely benign. Last evaluated: 2022-06-08. Review status: criteria provided, single submitter. Criteria: ACMG Guidelines, 2015. Collection method: clinical testing. Allele origin: germline.